The following is an entry in ClinVar:

ClinVar aggregate classification (germline): Uncertain significance (1 of 4 stars; one submission).

Conditions:
Fanconi anemia complementation group D2. Also called: FANCONI PANCYTOPENIA, TYPE 4; FANCONI ANEMIA, COMPLEMENTATION GROUP D; FANCD2-Related Fanconi Anemia. Identifiers: Orphanet 84, MedGen C3160738, MONDO:0009214, OMIM 227646.

Allele frequency attached by ClinVar (database versions not stated): ExAC 0.00001.
gnomAD v4.1: 3 of 1,613,170 alleles (0.00019%); highest among the groups gnomAD compares: Non-Finnish European, 0.00025%; no homozygotes.

Submission:

Victorian Clinical Genetics Services, Murdoch Childrens Research Institute
Classification: Uncertain significance for Fanconi anemia complementation group D2. Last evaluated: 2020-10-19. Review status: criteria provided, single submitter. Criteria: ACMG Guidelines, 2015. Collection method: clinical testing. Allele origin: germline. Inheritance: Autosomal recessive inheritance.
Comment: Based on the classification scheme VCGS_Germline_v1.3.3, this variant is classified as 3B-VUS. Following criteria are met: 0102 - Loss of function is a known mechanism of disease in this gene and is associated with complementation group D2 Fanconi anemia (MIM#227646). (I) 0106 - This gene is associated with autosomal recessive disease. (I) 0200 - Variant is predicted to result in a missense amino acid change from cysteine to phenylalanine. (I) 0251 - This variant is heterozygous. (I) 0304 - Variant is present in gnomAD <0.01 for a recessive condition (v2: 1 heterozygote, 0 homozygotes). (SP) 0309 - An alternative amino acid change at the same position has been observed in gnomAD (v3) (13 heterozygotes, 0 homozygotes). (I) 0501 - Missense variant consistently predicted to be damaging by multiple in silico tools or highly conserved with a major amino acid change. (SP) 0600 - Variant is located in the annotated FancD2 domain (NCBI, PDB, Decipher). (I) 0705 - No comparable missense variants in the same codon have previous evidence for pathogenicity. (I) 0807 - This variant has no previous evidence of pathogenicity. (I) 0905 - No published segregation evidence has been identified for this variant. (I) 1007 - No published functional evidence has been identified for this variant. (I) Legend: (SP) - Supporting pathogenic, (I) - Information, (SB) - Supporting benign

NM_001018115.3(FANCD2):c.2348G>T (p.Cys783Phe)

Genes: FANCD2 (FA complementation group D2; plus strand), LOC107303338 (3p25 FANCD2 Alu-mediated recombination region; plus strand). Cytogenetic location: 3p25.3.
Variant type: single nucleotide variant.
Coding change: c.2348G>T on transcript NM_001018115.3 (MANE Select); coding-DNA position 2348, G replaced by T.
Protein change: p.Cys783Phe; replaces cysteine 783 with phenylalanine.
Molecular consequence: missense variant.
Genome position (GRCh38, 1-based): chr3:10,065,942, G>T. VCF-style: chr3-10065942-G-T. GRCh37 (hg19) VCF-style: chr3-10107626-G-T.
Other names: c.2348G>T, p.Cys783Phe (NM_001319984.2, NM_001374254.1, NM_033084.6); c.2237G>T, p.Cys746Phe (NM_001374253.1); short protein forms C746F, C783F.
Identifiers: ClinVar variation 1806328 (VCV001806328.1), dbSNP rs763986919, ClinGen allele CA2250043.